The following is an entry in ClinVar:

ClinVar aggregate classification (germline): Uncertain significance (1 of 4 stars; one submission).

Conditions:
Benign neonatal seizures. Also called: Benign neonatal familial convulsions; Convulsions benign familial neonatal dominant form; Autosomal dominant form of benign neonatal seizures; Benign familial neonatal seizures; Benign familial neonatal epilepsy. Identifiers: Orphanet 1949, MedGen C0220669, MONDO:0016027.

Allele frequency attached by ClinVar (database versions not stated): gnomAD exomes below 0.00001.
gnomAD v4.1: 1 of 1,595,374 alleles (0.000063%); highest among the groups gnomAD compares: Admixed American, 0.0017%; no homozygotes.

Submission:

Labcorp Genetics (formerly Invitae), Labcorp
Classification: Uncertain significance for Benign neonatal seizures. Last evaluated: 2023-09-10. Review status: criteria provided, single submitter. Criteria: Invitae Variant Classification Sherloc (09022015). Collection method: clinical testing. Allele origin: germline.
Comment: In summary, the available evidence is currently insufficient to determine the role of this variant in disease. Therefore, it has been classified as a Variant of Uncertain Significance. Advanced modeling of protein sequence and biophysical properties (such as structural, functional, and spatial information, amino acid conservation, physicochemical variation, residue mobility, and thermodynamic stability) performed at Invitae indicates that this missense variant is not expected to disrupt KCNQ3 protein function. This variant has not been reported in the literature in individuals affected with KCNQ3-related conditions. This variant is not present in population databases (gnomAD no frequency). This sequence change replaces aspartic acid, which is acidic and polar, with glutamic acid, which is acidic and polar, at codon 62 of the KCNQ3 protein (p.Asp62Glu).

NM_004519.4(KCNQ3):c.186C>A (p.Asp62Glu)

Gene: KCNQ3 (potassium voltage-gated channel subfamily Q member 3; minus strand). Cytogenetic location: 8q24.22.
Variant type: single nucleotide variant.
Coding change: c.186C>A on transcript NM_004519.4 (MANE Select); coding-DNA position 186, C replaced by A.
Protein change: p.Asp62Glu; replaces aspartic acid 62 with glutamic acid.
Molecular consequence: missense variant.
Genome position (GRCh38, 1-based): chr8:132,480,347, G>T on the plus strand (C>A on the coding strand, the complement: KCNQ3 is on the minus strand). VCF-style: chr8-132480347-G-T. GRCh37 (hg19) VCF-style: chr8-133492594-G-T.
Other names: short protein forms D62E.
Identifiers: ClinVar variation 2724769 (VCV002724769.3), dbSNP rs2537398396, ClinGen allele CA372292724.